The following is an entry in ClinVar:

ClinVar aggregate classification (germline): Pathogenic (1 of 4 stars; one submission).

Conditions:
Heterotopia, periventricular, X-linked dominant (PVNH1). Also called: PERIVENTRICULAR NODULAR HETEROTOPIA 1; X-linked periventricular heterotopia; PERIVENTRICULAR NODULAR HETEROTOPIA 4; HETEROTOPIA, PERIVENTRICULAR, 1. Identifiers: Orphanet 2149, Orphanet 82004, MedGen C1848213, MONDO:0010233, OMIM 300049.
Melnick-Needles syndrome (MNS). Also called: Melnick-Needles Syndrome (FLNA-MNS); MELNICK-NEEDLES OSTEODYSPLASTY; OSTEODYSPLASTY OF MELNICK AND NEEDLES. Identifiers: Orphanet 2484, MedGen C0025237, MONDO:0010650, OMIM 309350.
Frontometaphyseal dysplasia (FMD1). Identifiers: Orphanet 1826, MedGen C0265293, MONDO:0015942.
Oto-palato-digital syndrome, type II (OPD2). Also called: Otopalatodigital Syndrome Type 2 (FLNA-OPD2); FACIOPALATOOSSEOUS SYNDROME; OPD II SYNDROME; Otopalatodigital Syndrome, Type II. Identifiers: Orphanet 669, Orphanet 90652, MedGen C1844696, MONDO:0010571, OMIM 304120.

Submission:

Labcorp Genetics (formerly Invitae), Labcorp
Classification: Pathogenic for Oto-palato-digital syndrome, type II; Heterotopia, periventricular, X-linked dominant; Frontometaphyseal dysplasia; Melnick-Needles syndrome. Last evaluated: 2023-11-16. Review status: criteria provided, single submitter. Criteria: Invitae Variant Classification Sherloc (09022015). Collection method: clinical testing. Allele origin: germline.
Comment: This sequence change creates a premature translational stop signal (p.Ile2158Serfs*9) in the FLNA gene. It is expected to result in an absent or disrupted protein product. Loss-of-function variants in FLNA are known to be pathogenic (PMID: 16684786, 20730588, 26471271). This variant is not present in population databases (gnomAD no frequency). This variant has not been reported in the literature in individuals affected with FLNA-related conditions. For these reasons, this variant has been classified as Pathogenic.

Literature cited by the submitters: PubMed 16684786; PubMed 20730588; PubMed 26471271.

NM_001110556.2(FLNA):c.6496del (p.Ile2166fs)

Gene: FLNA (filamin A; minus strand). Cytogenetic location: Xq28.
Variant type: Deletion.
Coding change: c.6496del on transcript NM_001110556.2 (MANE Select); coding-DNA position 6496, one base deleted (A; older notation c.6496delA).
Protein change: p.Ile2166fs; shifts the reading frame from isoleucine 2166.
Molecular consequence: frameshift variant.
Genome position (GRCh38, 1-based): chrX:154,352,559, T deleted on the plus strand (A on the coding strand, the reverse complement: FLNA is on the minus strand); the first of 4 consecutive T bases (chrX:154,352,559-154,352,562); deleting any one gives the same sequence. VCF-style (leftmost placement, unchanged base first): chrX-154352558-AT-A. GRCh37 (hg19) VCF-style: chrX-153580926-AT-A.
Other names: c.6472del, p.Ile2158fs (NM_001456.4); short protein forms I2166fs, I2158fs.
Identifiers: ClinVar variation 2953674 (VCV002953674.3), dbSNP rs2522721432, ClinGen allele CA2740090185.